The following is an entry in ClinVar:

ClinVar aggregate classification (germline): Pathogenic. Review status: criteria provided, multiple submitters, no conflicts (2 of 4 stars). 4 submissions from 3 submitters: Pathogenic (3). 1 of the submissions does not count toward it. Last evaluated 2024-05-06.

Conditions:
CHARGE syndrome (CHARGE). Also called: Coloboma, heart anomaly, choanal atresia, retardation, genital and ear anomalies; CHARGE association; Hall-Hittner syndrome; CHARGE ASSOCIATION--COLOBOMA, HEART ANOMALY, CHOANAL ATRESIA, RETARDATION, GENITAL AND EAR ANOMALIES; Hittner Hirsch Kreh syndrome. Identifiers: Orphanet 138, MedGen C0265354, MONDO:0008965.

Submissions (4):

Labcorp Genetics (formerly Invitae), Labcorp
Classification: Pathogenic for CHARGE syndrome. Last evaluated: 2024-05-06. Review status: criteria provided, single submitter. Criteria: Invitae Variant Classification Sherloc (09022015). Collection method: clinical testing. Allele origin: germline.
Comment: This sequence change replaces leucine, which is neutral and non-polar, with proline, which is neutral and non-polar, at codon 1294 of the CHD7 protein (p.Leu1294Pro). This variant is not present in population databases (gnomAD no frequency). This missense change has been observed in individual(s) with CHARGE syndrome (PMID: 16400610, 26590800, 30577886). In at least one individual the variant was observed to be de novo. ClinVar contains an entry for this variant (Variation ID: 218745). Advanced modeling of protein sequence and biophysical properties (such as structural, functional, and spatial information, amino acid conservation, physicochemical variation, residue mobility, and thermodynamic stability) performed at Invitae indicates that this missense variant is expected to disrupt CHD7 protein function with a positive predictive value of 95%. For these reasons, this variant has been classified as Pathogenic.

Rady Children's Institute for Genomic Medicine, Rady Children's Hospital San Diego
Classification: Pathogenic for CHARGE SYNDROME. Last evaluated: 2019-07-31. Review status: criteria provided, single submitter. Criteria: ACMG Guidelines, 2015. Collection method: clinical testing. Allele origin: germline. Affected: yes.
Comment: This variant has been previously reported as a heterozygous change in patients with CHARGE Syndrome, in some cases confirmed as present in the de novo state (PMID: 21158681, 22539353, 24979395, 29191495). It is absent from the ExAC and gnomAD population databases and thus is presumed to be rare. The c.3881T>C (p.Leu1294Pro) variant affects a highly conserved amino acid and is predicted by multiple in silico tools to have a deleterious effect on protein function. Analysis of the parental samples was negative for the variant, indicating this variant likely occurred as a de novo event. Based on the available evidence, the c.3881T>C (p.Leu1294Pro) variant is classified as Pathogenic.

Genomic Diagnostic Laboratory, Division of Genomic Diagnostics, Children's Hospital of Philadelphia
Classification: Pathogenic for CHARGE syndrome. Last evaluated: 2016-09-05. Review status: criteria provided, single submitter. Criteria: DGD Variant Analysis Guidelines. Collection method: clinical testing. Allele origin: germline. Affected: yes. Observed: 1 variant allele.
Comment: Clinical Testing

Genomic Diagnostic Laboratory, Division of Genomic Diagnostics, Children's Hospital of Philadelphia
Classification: Likely pathogenic. Last evaluated: 2015-06-23. Review status: flagged submission. Criteria: DGD Variant Analysis Guidelines. Collection method: clinical testing. Allele origin: unknown. Not counted in ClinVar's aggregate classification.
ClinVar note: Reason: This record appears to be redundant with a more recent record from the same submitter.
ClinVar note: Notes: SCV000258120 appears to be redundant with SCV000328336.

Literature cited by the submitters: PubMed 16400610 (cited by Labcorp Genetics (formerly Invitae), Labcorp); PubMed 26590800 (cited by Labcorp Genetics (formerly Invitae), Labcorp); PubMed 30577886 (cited by Labcorp Genetics (formerly Invitae), Labcorp).

NM_017780.4(CHD7):c.3881T>C (p.Leu1294Pro)

Gene: CHD7 (chromodomain helicase DNA binding protein 7; plus strand). Cytogenetic location: 8q12.2.
Variant type: single nucleotide variant.
Coding change: c.3881T>C on transcript NM_017780.4 (MANE Select); coding-DNA position 3881, T replaced by C.
Protein change: p.Leu1294Pro; replaces leucine 1294 with proline.
Molecular consequence: missense variant. On other transcripts: intron variant (1).
Genome position (GRCh38, 1-based): chr8:60,836,175, T>C. VCF-style: chr8-60836175-T-C. GRCh37 (hg19) VCF-style: chr8-61748734-T-C.
Other names: c.3881T>C (LRG_176t1); c.1717-26054T>C (NM_001316690.1); short protein forms L1294P.
Identifiers: ClinVar variation 218745 (VCV000218745.12), dbSNP rs864309609, ClinGen allele CA249352.